The following is an entry in ClinVar:

ClinVar aggregate classification (germline): Uncertain significance. Review status: criteria provided, multiple submitters, no conflicts (2 of 4 stars). 2 submissions from 2 submitters: Uncertain significance (2). Last evaluated 2025-01-27.

Conditions:
Hereditary cancer-predisposing syndrome. Also called: Tumor predisposition; Neoplastic Syndromes, Hereditary; Hereditary Cancer Syndrome; Hereditary neoplastic syndrome. Identifiers: Orphanet 140162, MedGen C0027672, MeSH D009386, MONDO:0015356.
Tuberous sclerosis 2 (TSC2). Identifiers: Orphanet 805, MedGen C1860707, MONDO:0013199, OMIM 613254.

Submissions (2):

Labcorp Genetics (formerly Invitae), Labcorp
Classification: Uncertain significance for Tuberous sclerosis 2. Last evaluated: 2025-01-27. Review status: criteria provided, single submitter. Criteria: Invitae Variant Classification Sherloc (09022015). Collection method: clinical testing. Allele origin: germline.
Comment: This sequence change replaces glutamic acid, which is acidic and polar, with glutamine, which is neutral and polar, at codon 517 of the TSC2 protein (p.Glu517Gln). This variant is not present in population databases (gnomAD no frequency). This variant has not been reported in the literature in individuals affected with TSC2-related conditions. ClinVar contains an entry for this variant (Variation ID: 1775001). Invitae Evidence Modeling of protein sequence and biophysical properties (such as structural, functional, and spatial information, amino acid conservation, physicochemical variation, residue mobility, and thermodynamic stability) indicates that this missense variant is not expected to disrupt TSC2 protein function with a negative predictive value of 95%. In summary, the available evidence is currently insufficient to determine the role of this variant in disease. Therefore, it has been classified as a Variant of Uncertain Significance.

Ambry Genetics
Classification: Uncertain significance for Hereditary cancer-predisposing syndrome. Last evaluated: 2021-02-22. Review status: criteria provided, single submitter. Criteria: Ambry Variant Classification Scheme 2023. Collection method: clinical testing. Allele origin: germline.
Comment: The p.E517Q variant (also known as c.1549G>C), located in coding exon 14 of the TSC2 gene, results from a G to C substitution at nucleotide position 1549. The glutamic acid at codon 517 is replaced by glutamine, an amino acid with highly similar properties. This amino acid position is highly conserved in available vertebrate species. In addition, the in silico prediction for this alteration is inconclusive. Since supporting evidence is limited at this time, the clinical significance of this alteration remains unclear.

NM_000548.5(TSC2):c.1549G>C (p.Glu517Gln)

Gene: TSC2 (TSC complex subunit 2; plus strand). Cytogenetic location: 16p13.3.
Variant type: single nucleotide variant.
Coding change: c.1549G>C on transcript NM_000548.5 (MANE Select); coding-DNA position 1549, G replaced by C.
Protein change: p.Glu517Gln; replaces glutamic acid 517 with glutamine.
Molecular consequence: missense variant.
Genome position (GRCh38, 1-based): chr16:2,064,377, G>C. VCF-style: chr16-2064377-G-C. GRCh37 (hg19) VCF-style: chr16-2114378-G-C.
Other names: c.1492G>C, p.Glu498Gln (NM_001406677.1); c.1438G>C, p.Glu480Gln (NM_001406678.1, NM_001318827.2, NM_001406670.1); c.1402G>C, p.Glu468Gln (NM_001406679.1, NM_001318829.2, NM_001406675.1 and 1 more transcripts); c.949G>C, p.Glu317Gln (NM_001406680.1, NM_001406682.1, NM_001406683.1 and 6 more transcripts); c.1087G>C, p.Glu363Gln (NM_001406681.1); c.1549G>C, p.Glu517Gln (NM_001077183.3, NM_001114382.3, NM_001363528.2 and 6 more transcripts); c.1582G>C, p.Glu528Gln (NM_001318832.2); c.1639G>C, p.Glu547Gln (NM_001406667.1, NM_001406668.1); and 3 more; short protein forms E468Q, E498Q, E547Q, E317Q, E480Q, E363Q, E513Q, E517Q.
Identifiers: ClinVar variation 1775001 (VCV001775001.3), dbSNP rs1555502518, ClinGen allele CA394326424.